The following is an entry in ClinVar:

NM_003072.5(SMARCA4):c.212A>G (p.Gln71Arg)

Gene: SMARCA4 (SWI/SNF related BAF chromatin remodeling complex subunit ATPase 4; plus strand). Cytogenetic location: 19p13.2.
Variant type: single nucleotide variant.
Coding change: c.212A>G on transcript NM_003072.5 (MANE Select); coding-DNA position 212, A replaced by G.
Protein change: p.Gln71Arg; replaces glutamine 71 with arginine.
Molecular consequence: missense variant. On other transcripts: non-coding transcript variant (1).
Genome position (GRCh38, 1-based): chr19:10,984,363, A>G. VCF-style: chr19-10984363-A-G. GRCh37 (hg19) VCF-style: chr19-11095039-A-G.
Other names: c.212A>G, p.Gln71Arg (NM_001128844.3, NM_001128845.2, NM_001128846.2 and 6 more transcripts); short protein forms Q71R.
Identifiers: ClinVar variation 1786368 (VCV001786368.7), dbSNP rs2145726840, ClinGen allele CA404054693.

ClinVar aggregate classification (germline): Uncertain significance. Review status: criteria provided, multiple submitters, no conflicts (2 of 4 stars). 2 submissions from 2 submitters: Uncertain significance (2). Last evaluated 2023-07-07.

Conditions:
Hereditary cancer-predisposing syndrome. Also called: Neoplastic Syndromes, Hereditary; Tumor predisposition; Hereditary Cancer Syndrome; Hereditary neoplastic syndrome. Identifiers: Orphanet 140162, MedGen C0027672, MeSH D009386, MONDO:0015356.
Rhabdoid tumor predisposition syndrome 2 (RTPS2). Identifiers: Orphanet 231108, Orphanet 69077, MedGen C2750074, MONDO:0013224, OMIM 613325.

Allele frequency attached by ClinVar (database versions not stated): gnomAD exomes below 0.00001.
gnomAD v4.1: 1 of 1,587,824 alleles (0.000063%); highest among the groups gnomAD compares: East Asian, 0.0023%; no homozygotes.

Submissions (2):

Labcorp Genetics (formerly Invitae), Labcorp
Classification: Uncertain significance for Rhabdoid tumor predisposition syndrome 2. Last evaluated: 2023-07-07. Review status: criteria provided, single submitter. Criteria: Invitae Variant Classification Sherloc (09022015). Collection method: clinical testing. Allele origin: germline.
Comment: In summary, the available evidence is currently insufficient to determine the role of this variant in disease. Therefore, it has been classified as a Variant of Uncertain Significance. Advanced modeling of protein sequence and biophysical properties (such as structural, functional, and spatial information, amino acid conservation, physicochemical variation, residue mobility, and thermodynamic stability) performed at Invitae indicates that this missense variant is not expected to disrupt SMARCA4 protein function. ClinVar contains an entry for this variant (Variation ID: 1786368). This variant has not been reported in the literature in individuals affected with SMARCA4-related conditions. This variant is not present in population databases (gnomAD no frequency). This sequence change replaces glutamine, which is neutral and polar, with arginine, which is basic and polar, at codon 71 of the SMARCA4 protein (p.Gln71Arg).

Ambry Genetics
Classification: Uncertain significance for Hereditary cancer-predisposing syndrome. Last evaluated: 2020-10-29. Review status: criteria provided, single submitter. Criteria: Ambry Variant Classification Scheme 2023. Collection method: clinical testing. Allele origin: germline.
Comment: The p.Q71R variant (also known as c.212A>G), located in coding exon 1 of the SMARCA4 gene, results from an A to G substitution at nucleotide position 212. The glutamine at codon 71 is replaced by arginine, an amino acid with highly similar properties. This amino acid position is well conserved in available vertebrate species. In addition, the in silico prediction for this alteration is inconclusive. Since supporting evidence is limited at this time, the clinical significance of this alteration remains unclear.